The following is an entry in ClinVar:

ClinVar aggregate classification (germline): Uncertain significance (1 of 4 stars; one submission).

Submission:

CeGaT Center for Human Genetics Tuebingen
Classification: Uncertain significance. Last evaluated: 2025-04-01. Review status: criteria provided, single submitter. Criteria: CeGaT Center For Human Genetics Tuebingen Variant Classification Criteria Version 2. Collection method: clinical testing. Allele origin: germline. Affected: yes. Observed: 1 variant allele.
Comment: NBEA: PM2

NM_001385012.1(NBEA):c.6043A>G (p.Arg2015Gly)

Gene: NBEA (neurobeachin; plus strand). Cytogenetic location: 13q13.3.
Variant type: single nucleotide variant.
Coding change: c.6043A>G on transcript NM_001385012.1 (MANE Select); coding-DNA position 6043, A replaced by G.
Protein change: p.Arg2015Gly; replaces arginine 2015 with glycine.
Molecular consequence: missense variant.
Genome position (GRCh38, 1-based): chr13:35,352,187, A>G. VCF-style: chr13-35352187-A-G. GRCh37 (hg19) VCF-style: chr13-35926324-A-G.
Other names: c.6034A>G, p.Arg2012Gly (NM_001379245.1); c.6043A>G, p.Arg2015Gly (NM_015678.5); short protein forms R2012G, R2015G.
Identifiers: ClinVar variation 3898548 (VCV003898548.7).